The following is an entry in ClinVar:

ClinVar aggregate classification (germline): Uncertain significance (1 of 4 stars; one submission).

Submission:

GeneDx
Classification: Uncertain significance. Last evaluated: 2024-12-13. Review status: criteria provided, single submitter. Criteria: GeneDx Variant Classification Process June 2021. Collection method: clinical testing. Allele origin: germline. Affected: yes.
Comment: Not observed at significant frequency in large population cohorts (gnomAD); In silico analysis supports that this missense variant has a deleterious effect on protein structure/function; Has not been previously published as pathogenic or benign to our knowledge; In silico analysis suggests this variant may impact gene splicing. In the absence of RNA/functional studies, the actual effect of this sequence change is unknown.

NM_001205293.3(CACNA1E):c.4608C>G (p.Asn1536Lys)

Gene: CACNA1E (calcium voltage-gated channel subunit alpha1 E; plus strand). Cytogenetic location: 1q25.3.
Variant type: single nucleotide variant.
Coding change: c.4608C>G on transcript NM_001205293.3 (MANE Select); coding-DNA position 4608, C replaced by G.
Protein change: p.Asn1536Lys; replaces asparagine 1536 with lysine.
Molecular consequence: missense variant.
Genome position (GRCh38, 1-based): chr1:181,762,576, C>G. VCF-style: chr1-181762576-C-G. GRCh37 (hg19) VCF-style: chr1-181731712-C-G.
Other names: c.4608C>G, p.Asn1536Lys (NM_000721.4); c.4551C>G, p.Asn1517Lys (NM_001205294.2); short protein forms N1517K, N1536K.
Identifiers: ClinVar variation 3903060 (VCV003903060.1).